The following is an entry in ClinVar:

ClinVar aggregate classification (germline): Likely benign. Review status: criteria provided, multiple submitters, no conflicts (2 of 4 stars). 2 submissions from 2 submitters: Likely benign (2). Last evaluated 2025-11-25.

Conditions:
Deficiency of alpha-mannosidase (MANSA). Also called: Mannosidosis, alpha-, types I and II; Alpha-Mannosidosis; LYSOSOMAL ALPHA-D-MANNOSIDASE DEFICIENCY. Identifiers: Orphanet 61, MedGen C0024748, MONDO:0009561, OMIM 248500.
MAN2B1-related disorder. Also called: MAN2B1-related condition.

gnomAD v4.1: 27 of 1,613,934 alleles (0.0017%); highest among the groups gnomAD compares: Middle Eastern, 0.016%; no homozygotes.

Submissions (2):

Labcorp Genetics (formerly Invitae), Labcorp
Classification: Likely benign for Deficiency of alpha-mannosidase. Last evaluated: 2025-11-25. Review status: criteria provided, single submitter. Criteria: Invitae Variant Classification Sherloc (09022015). Collection method: clinical testing. Allele origin: germline.

PreventionGenetics, part of Exact Sciences
Classification: Likely benign for MAN2B1-related condition. Last evaluated: 2024-10-17. Review status: criteria provided, single submitter. Criteria: ACMG Guidelines, 2015. Collection method: clinical testing. Allele origin: germline.
Comment: This variant is classified as likely benign based on ACMG/AMP sequence variant interpretation guidelines (Richards et al. 2015 PMID: 25741868, with internal and published modifications).

NM_000528.4(MAN2B1):c.2097G>A (p.Gln699=)

Gene: MAN2B1 (mannosidase alpha class 2B member 1; minus strand). Cytogenetic location: 19p13.13.
Variant type: single nucleotide variant.
Coding change: c.2097G>A on transcript NM_000528.4 (MANE Select); coding-DNA position 2097, G replaced by A.
Protein change: p.Gln699=; no amino-acid change (glutamine 699 retained).
Molecular consequence: synonymous variant.
Genome position (GRCh38, 1-based): chr19:12,650,172, C>T on the plus strand (G>A on the coding strand, the complement: MAN2B1 is on the minus strand). VCF-style: chr19-12650172-C-T. GRCh37 (hg19) VCF-style: chr19-12760986-C-T.
Other names: c.2094G>A, p.Gln698= (NM_001173498.2); c.2097G>A (NM_000528.3).
Identifiers: ClinVar variation 2047218 (VCV002047218.5), dbSNP rs140449678, ClinGen allele CA305462956.